The following is an entry in ClinVar:

ClinVar aggregate classification (germline): Uncertain significance. Review status: criteria provided, multiple submitters, no conflicts (2 of 4 stars). 3 submissions from 3 submitters: Uncertain significance (3). Last evaluated 2026-04-16.

Conditions:
Mitochondrial hypertrophic cardiomyopathy with lactic acidosis due to MTO1 deficiency. Also called: Combined oxidative phosphorylation deficiency 10; CARDIOMYOPATHY, INFANTILE HYPERTROPHIC MITOCHONDRIAL, AND LACTIC ACIDOSIS. Identifiers: Orphanet 314637, MedGen C4749921, MONDO:0013865, OMIM 614702.
Inborn genetic diseases. Identifiers: MedGen C0950123, MeSH D030342.

Allele frequency attached by ClinVar (database versions not stated): gnomAD 0.00005 and 0.00004; TOPMed 0.00003; ESP Exome Variant Server 0.00008; 1000 Genomes Project 0.00020; ExAC 0.00002; 1000 Genomes Project 30x 0.00016.
gnomAD v4.1: 51 of 1,613,760 alleles (0.0032%); highest among the groups gnomAD compares: Non-Finnish European, 0.0042%; no homozygotes.

Submissions (3):

GeneDx
Classification: Uncertain significance. Last evaluated: 2026-04-16. Review status: criteria provided, single submitter. Criteria: GeneDx Variant Classification Process June 2021. Collection method: clinical testing. Allele origin: germline.
Comment: Not observed at significant frequency in large population cohorts (gnomAD); In silico analysis supports that this missense variant has a deleterious effect on protein structure/function; Has not been previously published as pathogenic or benign to our knowledge

Labcorp Genetics (formerly Invitae), Labcorp
Classification: Uncertain significance for Mitochondrial hypertrophic cardiomyopathy with lactic acidosis due to MTO1 deficiency. Last evaluated: 2025-12-01. Review status: criteria provided, single submitter. Criteria: Invitae Variant Classification Sherloc (09022015). Collection method: clinical testing. Allele origin: germline.
Comment: This sequence change replaces proline, which is neutral and non-polar, with alanine, which is neutral and non-polar, at codon 566 of the MTO1 protein (p.Pro566Ala). This variant is present in population databases (rs139647877, gnomAD 0.006%). This variant has not been reported in the literature in individuals affected with MTO1-related conditions. ClinVar contains an entry for this variant (Variation ID: 1370552). Invitae Evidence Modeling of protein sequence and biophysical properties (such as structural, functional, and spatial information, amino acid conservation, physicochemical variation, residue mobility, and thermodynamic stability) indicates that this missense variant is not expected to disrupt MTO1 protein function with a negative predictive value of 80%. In summary, the available evidence is currently insufficient to determine the role of this variant in disease. Therefore, it has been classified as a Variant of Uncertain Significance.

Ambry Genetics
Classification: Uncertain significance for Inborn genetic diseases. Last evaluated: 2025-05-16. Review status: criteria provided, single submitter. Criteria: Ambry Variant Classification Scheme 2023. Collection method: clinical testing. Allele origin: germline.

NM_012123.4(MTO1):c.1696C>G (p.Pro566Ala)

Gene: MTO1 (mitochondrial tRNA translation optimization 1; plus strand). Cytogenetic location: 6q13.
Variant type: single nucleotide variant.
Coding change: c.1696C>G on transcript NM_012123.4 (MANE Select); coding-DNA position 1696, C replaced by G.
Protein change: p.Pro566Ala; replaces proline 566 with alanine.
Molecular consequence: missense variant.
Genome position (GRCh38, 1-based): chr6:73,492,292, C>G. VCF-style: chr6-73492292-C-G. GRCh37 (hg19) VCF-style: chr6-74202015-C-G.
Other names: c.1816C>G, p.Pro606Ala (NM_001123226.2); c.1771C>G, p.Pro591Ala (NM_133645.3); c.1696C>G (NM_012123.3); c.1816C>G (NM_001123226.1); short protein forms P566A, P591A, P606A.
Identifiers: ClinVar variation 1370552 (VCV001370552.6), dbSNP rs139647877, ClinGen allele CA3889734.